The following is an entry in ClinVar:

NM_178510.2(ANKK1):c.827C>T (p.Pro276Leu)

Gene: ANKK1 (ankyrin repeat and kinase domain containing 1; plus strand). Cytogenetic location: 11q23.2.
Variant type: single nucleotide variant.
Coding change: c.827C>T on transcript NM_178510.2 (MANE Select); coding-DNA position 827, C replaced by T.
Protein change: p.Pro276Leu; replaces proline 276 with leucine.
Molecular consequence: missense variant.
Genome position (GRCh38, 1-based): chr11:113,396,211, C>T. VCF-style: chr11-113396211-C-T. GRCh37 (hg19) VCF-style: chr11-113266933-C-T.
Other names: short protein forms P276L.
Identifiers: ClinVar variation 3041005 (VCV003041005.2), dbSNP rs35488601, ClinGen allele CA6280751.

ClinVar aggregate classification (germline): Benign (0 of 4 stars; one submission).

Conditions:
ANKK1-related disorder. Also called: ANKK1-related condition.

Allele frequency attached by ClinVar (database versions not stated): gnomAD exomes 0.00061; ESP Exome Variant Server 0.00526; gnomAD 0.00629; TOPMed 0.00687; 1000 Genomes Project 30x 0.00812; 1000 Genomes Project 0.00819.

Submission:

PreventionGenetics, part of Exact Sciences
Classification: Benign for ANKK1-related condition. Last evaluated: 2019-10-01. Review status: no assertion criteria provided. Collection method: clinical testing. Allele origin: germline.
Comment: This variant is classified as benign based on ACMG/AMP sequence variant interpretation guidelines (Richards et al. 2015 PMID: 25741868, with internal and published modifications).